The following is an entry in ClinVar:

NM_000702.4(ATP1A2):c.290G>A (p.Gly97Glu)

Gene: ATP1A2 (ATPase Na+/K+ transporting subunit alpha 2; plus strand). Cytogenetic location: 1q23.2.
Variant type: single nucleotide variant.
Coding change: c.290G>A on transcript NM_000702.4 (MANE Select); coding-DNA position 290, G replaced by A.
Protein change: p.Gly97Glu; replaces glycine 97 with glutamic acid.
Molecular consequence: missense variant.
Genome position (GRCh38, 1-based): chr1:160,123,325, G>A. VCF-style: chr1-160123325-G-A. GRCh37 (hg19) VCF-style: chr1-160093115-G-A.
Other names: short protein forms G97E.
Identifiers: ClinVar variation 1714447 (VCV001714447.5), dbSNP rs2524854214, ClinGen allele CA343231278.
Genomic context (GRCh38, chr1:160,123,325, plus strand): 5'-CCCTCACACCACCTCCCACAACCCCTGAGTGGGTCAAGTTCTGCCGTCAGCTTTTCGGGG[G>A]GTTCTCCATCCTGCTGTGGATTGGGGCTATCCTCTGCTTCCTGGCCTACGGCATCCAGGC-3'
Protein context (NP_000693.1, residues 87-107): WVKFCRQLFG[Gly97Glu]FSILLWIGAI

ClinVar aggregate classification (germline): Uncertain significance (1 of 4 stars; one submission).

Conditions:
Familial hemiplegic migraine. Identifiers: MedGen C0338484, MONDO:0000700.

Submission:

Labcorp Genetics (formerly Invitae), Labcorp
Classification: Uncertain significance for Familial hemiplegic migraine. Last evaluated: 2022-08-31. Review status: criteria provided, single submitter. Criteria: Invitae Variant Classification Sherloc (09022015). Collection method: clinical testing. Allele origin: germline.
Comment: In summary, the available evidence is currently insufficient to determine the role of this variant in disease. Therefore, it has been classified as a Variant of Uncertain Significance. Advanced modeling of protein sequence and biophysical properties (such as structural, functional, and spatial information, amino acid conservation, physicochemical variation, residue mobility, and thermodynamic stability) performed at Invitae indicates that this missense variant is expected to disrupt ATP1A2 protein function. This variant has not been reported in the literature in individuals affected with ATP1A2-related conditions. This variant is not present in population databases (gnomAD no frequency). This sequence change replaces glycine, which is neutral and non-polar, with glutamic acid, which is acidic and polar, at codon 97 of the ATP1A2 protein (p.Gly97Glu).